The following is an entry in ClinVar:

NM_032816.5(CEP89):c.146+2T>C

Gene: CEP89 (centrosomal protein 89; minus strand). Cytogenetic location: 19q13.11.
Variant type: single nucleotide variant.
Coding change: c.146+2T>C on transcript NM_032816.5 (MANE Select); the canonical splice donor site of the intron after coding-DNA position 146, T replaced by C.
Molecular consequence: splice donor variant.
Genome position (GRCh38, 1-based): chr19:32,966,358, A>G on the plus strand (T>C on the coding strand, the complement: CEP89 is on the minus strand). VCF-style: chr19-32966358-A-G. GRCh37 (hg19) VCF-style: chr19-33457264-A-G.
Identifiers: ClinVar variation 2069255 (VCV002069255.4), dbSNP rs575834134, ClinGen allele CA9359914.
Genomic context (GRCh38, chr19:32,966,358, plus strand): 5'-GGATCCAGTACTTGGAGGCTGAGCACAGGGGTGACCTCAGTGCCTGCTCATCTGATACTC[A>G]CCTTGGTCTCTCTGGAGATGGGTTGGGGCTGCGGGGAGGAGGTGTGCGTGGCACAGCTGC-3'

ClinVar aggregate classification (germline): Uncertain significance (1 of 4 stars; one submission).

Allele frequency attached by ClinVar (database versions not stated): gnomAD 0.00002; TOPMed 0.00002; ExAC 0.00003; 1000 Genomes Project 30x 0.00016; 1000 Genomes Project 0.00020.
gnomAD v4.1: 8 of 1,517,572 alleles (0.00053%); highest among the groups gnomAD compares: East Asian, 0.02%; no homozygotes.

Submission:

Labcorp Genetics (formerly Invitae), Labcorp
Classification: Uncertain significance. Last evaluated: 2024-06-03. Review status: criteria provided, single submitter. Criteria: Invitae Variant Classification Sherloc (09022015). Collection method: clinical testing. Allele origin: germline.
Comment: This sequence change affects a donor splice site in intron 2 of the CEP89 gene. It is expected to disrupt RNA splicing. Variants that disrupt the donor or acceptor splice site typically lead to a loss of protein function (PMID: 16199547), however the current clinical and genetic evidence is not sufficient to establish whether loss-of-function variants in CEP89 cause disease. This variant is present in population databases (rs575834134, gnomAD 0.02%). This variant has not been reported in the literature in individuals affected with CEP89-related conditions. ClinVar contains an entry for this variant (Variation ID: 2069255). Algorithms developed to predict the effect of sequence changes on RNA splicing suggest that this variant may disrupt the consensus splice site. In summary, the available evidence is currently insufficient to determine the role of this variant in disease. Therefore, it has been classified as a Variant of Uncertain Significance.

Literature cited by the submitters: PubMed 16199547.